The following is an entry in ClinVar:

ClinVar aggregate classification (germline): Likely benign. Review status: criteria provided, multiple submitters, no conflicts (2 of 4 stars). 5 submissions from 5 submitters: Likely benign (5). Last evaluated 2026-01-26.

Conditions:
Autosomal dominant nonsyndromic hearing loss 1. Also called: KONIGSMARK SYNDROME; DEAFNESS, AUTOSOMAL DOMINANT 1, WITH OR WITHOUT THROMBOCYTOPENIA. Identifiers: Orphanet 90635, MedGen C1852282, MONDO:0007424, OMIM 124900.
Progressive microcephaly-seizures-cortical blindness-developmental delay syndrome. Also called: Seizures, cortical blindness, and microcephaly syndrome. Identifiers: Orphanet 477814, MedGen C5567650, MONDO:0014714, OMIM 616632.

Allele frequency attached by ClinVar (database versions not stated): gnomAD exomes 0.00004 and 0.00005; ExAC 0.00006; ESP Exome Variant Server 0.00008; gnomAD 0.00016; 1000 Genomes Project 0.00020; TOPMed 0.00026; 1000 Genomes Project 30x 0.00031.
gnomAD v4.1: 112 of 1,614,184 alleles (0.0069%); highest among the groups gnomAD compares: Admixed American, 0.045%; no homozygotes.

Submissions (5):

Labcorp Genetics (formerly Invitae), Labcorp
Classification: Likely benign for Progressive microcephaly-seizures-cortical blindness-developmental delay syndrome; Autosomal dominant nonsyndromic hearing loss 1. Last evaluated: 2026-01-26. Review status: criteria provided, single submitter. Criteria: Invitae Variant Classification Sherloc (09022015). Collection method: clinical testing. Allele origin: germline.

CeGaT Center for Human Genetics Tuebingen
Classification: Likely benign. Last evaluated: 2025-06-01. Review status: criteria provided, single submitter. Criteria: CeGaT Center For Human Genetics Tuebingen Variant Classification Criteria Version 2. Collection method: clinical testing. Allele origin: germline. Affected: yes. Observed: 1 variant allele.
Comment: DIAPH1: BP4, BP7

Blueprint Genetics
Classification: Likely benign. Last evaluated: 2024-11-21. Review status: criteria provided, single submitter. Criteria: ACMG Guidelines, 2015. Collection method: clinical testing. Allele origin: germline.

Laboratory for Molecular Medicine, Mass General Brigham Personalized Medicine
Classification: Likely benign. Last evaluated: 2012-04-30. Review status: criteria provided, single submitter. Criteria: LMM Criteria. Collection method: clinical testing. Allele origin: germline. Observed: 2 variant alleles.
Comment: Pro1032Pro in Exon 23 of DIAPH1: This variant has been identified in 1/6744 Euro pean American chromosomes from a broad population by the NHLBI Exome Sequencing Project and is not expected to have clinical significance because it does not alter an amino acid residue and is not located within the splice consensus sequence.

Breakthrough Genomics
Classification: Likely benign. Review status: criteria provided, single submitter. Criteria: ACMG Guidelines, 2015. Collection method: not provided. Allele origin: germline. Inheritance: Autosomal recessive inheritance. Affected: yes.

NM_005219.5(DIAPH1):c.3096C>T (p.Pro1032=)

Gene: DIAPH1 (diaphanous related formin 1; minus strand). Cytogenetic location: 5q31.3.
Variant type: single nucleotide variant.
Coding change: c.3096C>T on transcript NM_005219.5 (MANE Select); coding-DNA position 3096, C replaced by T.
Protein change: p.Pro1032=; no amino-acid change (proline 1032 retained).
Molecular consequence: synonymous variant.
Genome position (GRCh38, 1-based): chr5:141,528,505, G>A on the plus strand (C>T on the coding strand, the complement: DIAPH1 is on the minus strand). VCF-style: chr5-141528505-G-A. GRCh37 (hg19) VCF-style: chr5-140908072-G-A.
Other names: c.3069C>T, p.Pro1023= (NM_001079812.3); c.3096C>T, p.Pro1032= (NM_001314007.2).
Identifiers: ClinVar variation 45214 (VCV000045214.25), dbSNP rs369299884, ClinGen allele CA135749.